The following is an entry in ClinVar:

NM_175737.4(KLB):c.497T>C (p.Val166Ala)

Gene: KLB (klotho beta; plus strand). Cytogenetic location: 4p14.
Variant type: single nucleotide variant.
Coding change: c.497T>C on transcript NM_175737.4 (MANE Select); coding-DNA position 497, T replaced by C.
Protein change: p.Val166Ala; replaces valine 166 with alanine.
Molecular consequence: missense variant.
Genome position (GRCh38, 1-based): chr4:39,407,446, T>C. VCF-style: chr4-39407446-T-C. GRCh37 (hg19) VCF-style: chr4-39409066-T-C.
Other names: short protein forms V166A.
Identifiers: ClinVar variation 713075 (VCV000713075.10), dbSNP rs35733674, ClinGen allele CA2893664.

ClinVar aggregate classification (germline): Conflicting classifications of pathogenicity. Review status: criteria provided, conflicting classifications (1 of 4 stars). 4 submissions from 4 submitters: Uncertain significance (1); Benign (2). 1 of the submissions does not count toward it. Last evaluated 2025-10-29.

Conditions:
KLB-related disorder. Also called: KLB-related condition.

Allele frequency attached by ClinVar (database versions not stated): gnomAD exomes 0.00031 and 0.00075; ExAC 0.00089; gnomAD 0.00326 and 0.00344; 1000 Genomes Project 0.00339; 1000 Genomes Project 30x 0.00359; TOPMed 0.00360; ESP Exome Variant Server 0.00415.
gnomAD v4.1: 977 of 1,614,212 alleles (0.061%); highest among the groups gnomAD compares: African/African-American, 1.1%; 5 homozygotes.

Submissions (4):

Ambry Genetics
Classification: Uncertain significance. Last evaluated: 2025-10-29. Review status: criteria provided, single submitter. Criteria: Ambry Variant Classification Scheme 2023. Collection method: clinical testing. Allele origin: germline.

Labcorp Genetics (formerly Invitae), Labcorp
Classification: Benign. Last evaluated: 2025-07-10. Review status: criteria provided, single submitter. Criteria: Invitae Variant Classification Sherloc (09022015). Collection method: clinical testing. Allele origin: germline.

Breakthrough Genomics
Classification: Benign. Review status: criteria provided, single submitter. Criteria: ACMG Guidelines, 2015. Collection method: not provided. Allele origin: germline. Inheritance: Unknown mechanism. Affected: yes.

PreventionGenetics, part of Exact Sciences
Classification: Likely benign for KLB-related condition. Last evaluated: 2019-02-25. Review status: no assertion criteria provided. Collection method: clinical testing. Allele origin: germline. Not counted in ClinVar's aggregate classification.
Comment: This variant is classified as likely benign based on ACMG/AMP sequence variant interpretation guidelines (Richards et al. 2015 PMID: 25741868, with internal and published modifications).